The following is an entry in ClinVar:

NM_001353108.3(CEP63):c.811_812del (p.Glu271fs)

Gene: CEP63 (centrosomal protein 63; plus strand). Cytogenetic location: 3q22.2.
Variant type: Microsatellite.
Coding change: c.811_812del on transcript NM_001353108.3 (MANE Select); coding-DNA positions 811 to 812, 2 bases deleted (GA; older notation c.811_812delGA).
Protein change: p.Glu271fs; shifts the reading frame from glutamic acid 271.
Molecular consequence: frameshift variant. On other transcripts: non-coding transcript variant (4).
Genome position (GRCh38, 1-based): chr3:134,546,170-134,546,171, GA deleted; deleting any 2 consecutive bases within chr3:134,546,165-134,546,171 gives the same sequence; the c. name uses the placement nearest the transcript's 3' end. VCF-style (leftmost placement, unchanged base first): chr3-134546164-AAG-A. GRCh37 (hg19) VCF-style: chr3-134265006-AAG-A.
Other names: c.811_812del, p.Glu271fs (NM_001042383.2, NM_001042384.2, NM_001042400.3 and 13 more transcripts); c.838_839del, p.Glu280fs (NM_001353118.1); c.727_728del, p.Glu243fs (NM_001353125.2); c.448_449del, p.Glu150fs (NM_001353126.2); short protein forms E150fs, E243fs, E271fs, E280fs.
Identifiers: ClinVar variation 5018757 (VCV005018757.1).

ClinVar aggregate classification (germline): Likely pathogenic (1 of 4 stars; one submission).

Conditions:
Seckel syndrome 6 (SCKL6). Identifiers: MedGen C3553582, MONDO:0013871, OMIM 614728.

Submission:

Juno Genomics, Hangzhou Juno Genomics, Inc
Classification: Likely pathogenic for Seckel syndrome 6. Review status: criteria provided, single submitter. Criteria: ACMG Guidelines, 2015. Collection method: clinical testing. Allele origin: germline. Affected: yes.
Comment: Absent from controls (or at extremely low frequency if recessive) in Genome Aggregation Database.;Null variant in a gene where loss of function (LOF) is a known mechanism of disease.